The following is an entry in ClinVar:

NM_022489.4(INF2):c.2767_2773del (p.Ala923fs)

Gene: INF2 (inverted formin 2; plus strand). Cytogenetic location: 14q32.33.
Variant type: Deletion.
Coding change: c.2767_2773del on transcript NM_022489.4 (MANE Select); coding-DNA positions 2767 to 2773, 7 bases deleted (GCCCTGA; older notation c.2767_2773delGCCCTGA).
Protein change: p.Ala923fs; shifts the reading frame from alanine 923.
Molecular consequence: frameshift variant.
Genome position (GRCh38, 1-based): chr14:104,712,984-104,712,990, GCCCTGA deleted. VCF-style (leftmost placement, unchanged base first): chr14-104712983-CGCCCTGA-C. GRCh37 (hg19) VCF-style: chr14-105179320-CGCCCTGA-C.
Other names: c.2767_2773del, p.Ala923fs (NM_001031714.4); short protein forms A923fs.
Identifiers: ClinVar variation 575077 (VCV000575077.6), dbSNP rs1566785235, ClinGen allele CA891844321.

ClinVar aggregate classification (germline): Uncertain significance (1 of 4 stars; one submission).

Conditions:
Focal segmental glomerulosclerosis 5 (FSGS5). Identifiers: Orphanet 656, MedGen C2750475, MONDO:0013191, OMIM 613237.
Charcot-Marie-Tooth disease dominant intermediate E. Also called: CHARCOT-MARIE-TOOTH NEUROPATHY WITH FOCAL SEGMENTAL GLOMERULONEPHRITIS. Identifiers: Orphanet 93114, MedGen C4302667, MONDO:0013758, OMIM 614455.

Submission:

Labcorp Genetics (formerly Invitae), Labcorp
Classification: Uncertain significance for Charcot-Marie-Tooth disease dominant intermediate E; Focal segmental glomerulosclerosis 5. Last evaluated: 2018-05-01. Review status: criteria provided, single submitter. Criteria: Invitae Variant Classification Sherloc (09022015). Collection method: clinical testing. Allele origin: germline.
Comment: This sequence change creates a premature translational stop signal (p.Ala923Argfs*126) in the INF2 gene. It is expected to result in an absent or disrupted protein product. This variant is not present in population databases (ExAC no frequency). This variant has not been reported in the literature in individuals with INF2-related disease. The current clinical and genetic evidence is not sufficient to establish whether loss-of-function variants in INF2 cause disease. In summary, the available evidence is currently insufficient to determine the role of this variant in disease. Therefore, it has been classified as a Variant of Uncertain Significance.